The following is an entry in ClinVar:

ClinVar aggregate classification (germline): Likely benign. Review status: criteria provided, single submitter (1 of 4 stars). 2 submissions from 2 submitters: Likely benign (1). 1 of the submissions does not count toward it. Last evaluated 2023-06-15.

Conditions:
AGT-related disorder. Also called: AGT-related condition.

Allele frequency attached by ClinVar (database versions not stated): ExAC 0.00001; gnomAD 0.00001; TOPMed 0.00003; ESP Exome Variant Server 0.00008; gnomAD exomes 0.00014.
gnomAD v4.1: 199 of 1,614,084 alleles (0.012%); highest among the groups gnomAD compares: Non-Finnish European, 0.017%; no homozygotes.

Submissions (2):

Labcorp Genetics (formerly Invitae), Labcorp
Classification: Likely benign. Last evaluated: 2023-06-15. Review status: criteria provided, single submitter. Criteria: Invitae Variant Classification Sherloc (09022015). Collection method: clinical testing. Allele origin: germline.

PreventionGenetics, part of Exact Sciences
Classification: Likely benign for AGT-related condition. Last evaluated: 2019-03-20. Review status: no assertion criteria provided. Collection method: clinical testing. Allele origin: germline. Not counted in ClinVar's aggregate classification.
Comment: This variant is classified as likely benign based on ACMG/AMP sequence variant interpretation guidelines (Richards et al. 2015 PMID: 25741868, with internal and published modifications).

NM_001384479.1(AGT):c.1179C>T (p.Pro393=)

Gene: AGT (angiotensinogen; minus strand). Cytogenetic location: 1q42.2.
Variant type: single nucleotide variant.
Coding change: c.1179C>T on transcript NM_001384479.1 (MANE Select); coding-DNA position 1179, C replaced by T.
Protein change: p.Pro393=; no amino-acid change (proline 393 retained).
Molecular consequence: synonymous variant.
Genome position (GRCh38, 1-based): chr1:230,704,256, G>A on the plus strand (C>T on the coding strand, the complement: AGT is on the minus strand). VCF-style: chr1-230704256-G-A. GRCh37 (hg19) VCF-style: chr1-230840002-G-A.
Other names: NM_000029.3:c.1206C>T; c.1179C>T, p.Pro393= (NM_001382817.3).
Identifiers: ClinVar variation 2972789 (VCV002972789.5), dbSNP rs368537638, ClinGen allele CA1448102.